The following is an entry in ClinVar:

NM_020693.4(DSCAML1):c.5930C>T (p.Pro1977Leu)

Gene: DSCAML1 (DS cell adhesion molecule like 1; minus strand). Cytogenetic location: 11q23.3.
Variant type: single nucleotide variant.
Coding change: c.5930C>T on transcript NM_020693.4 (MANE Select); coding-DNA position 5930, C replaced by T.
Protein change: p.Pro1977Leu; replaces proline 1977 with leucine.
Molecular consequence: missense variant.
Genome position (GRCh38, 1-based): chr11:117,428,560, G>A on the plus strand (C>T on the coding strand, the complement: DSCAML1 is on the minus strand). VCF-style: chr11-117428560-G-A. GRCh37 (hg19) VCF-style: chr11-117299276-G-A.
Other names: short protein forms P1977L.
Identifiers: ClinVar variation 3012281 (VCV003012281.3), dbSNP rs769760089, ClinGen allele CA6295928.
Genomic context (GRCh38, chr11:117,428,560, plus strand): 5'-GTGGGTGGCTCAGCAGGGGTGGGGCCGGGGGCTGGGGGGGCTGTGCCGGCTGGGGGGGCT[G>A]GCATGGCCAGAGTCCTCTGAGGTAAGGTGGCTGTGGAGGCGGCAGCGGGGGCCCCTGGGT-3'
Protein context (NP_065744.3, residues 1967-1987): ATLPQRTLAM[Pro1977Leu]APPAGTAPPA

ClinVar aggregate classification (germline): Uncertain significance (1 of 4 stars; one submission).

Allele frequency attached by ClinVar (database versions not stated): gnomAD exomes 0.00001; TOPMed 0.00001; gnomAD 0.00002; ExAC 0.00005.
gnomAD v4.1: 15 of 1,559,778 alleles (0.00096%); highest among the groups gnomAD compares: Non-Finnish European, 0.0011%; no homozygotes.

Submission:

Labcorp Genetics (formerly Invitae), Labcorp
Classification: Uncertain significance. Last evaluated: 2025-10-13. Review status: criteria provided, single submitter. Criteria: Invitae Variant Classification Sherloc (09022015). Collection method: clinical testing. Allele origin: germline.
Comment: This sequence change replaces proline, which is neutral and non-polar, with leucine, which is neutral and non-polar, at codon 2037 of the DSCAML1 protein (p.Pro2037Leu). The frequency data for this variant in the population databases is considered unreliable, as metrics indicate poor data quality at this position in the gnomAD database. This variant has not been reported in the literature in individuals affected with DSCAML1-related conditions. ClinVar contains an entry for this variant (Variation ID: 3012281). An algorithm developed to predict the effect of missense changes on protein structure and function (PolyPhen-2) suggests that this variant is likely to be tolerated. In summary, the available evidence is currently insufficient to determine the role of this variant in disease. Therefore, it has been classified as a Variant of Uncertain Significance.